The following is an entry in ClinVar:

NM_001042492.3(NF1):c.1062+6A>C

Gene: NF1 (neurofibromin 1; plus strand). Cytogenetic location: 17q11.2.
Variant type: single nucleotide variant.
Coding change: c.1062+6A>C on transcript NM_001042492.3 (MANE Select); 6 bases into the intron after coding-DNA position 1062, A replaced by C.
Molecular consequence: intron variant.
Genome position (GRCh38, 1-based): chr17:31,200,601, A>C. VCF-style: chr17-31200601-A-C. GRCh37 (hg19) VCF-style: chr17-29527619-A-C.
Other names: c.1062+6A>C (NM_000267.4, NM_001128147.3).
Identifiers: ClinVar variation 1020120 (VCV001020120.5), dbSNP rs1060500291, ClinGen allele CA2255550377.
Genomic context (GRCh38, chr17:31,200,601, plus strand): 5'-GGAAGATAACTCTGTCATTTTCCTACTTGTTCAGTCCATGGTGGTTGATCTTAAGGTAAC[A>C]TGCTTATTCTTTCTCTACTACAAACTTTAAGAAAATTAAATGAATTTTCTAGCATAAGTA-3'

ClinVar aggregate classification (germline): Uncertain significance (1 of 4 stars; one submission).

Conditions:
Neurofibromatosis, type 1 (NF1). Also called: Peripheral type neurofibromatosis; Neurofibromatosis, type I; VON RECKLINGHAUSEN DISEASE; NEUROFIBROMATOSIS, TYPE I, SOMATIC. Identifiers: Orphanet 636, MedGen C0027831, MONDO:0018975, OMIM 162200. Disease mechanism: loss of function.

Submission:

Labcorp Genetics (formerly Invitae), Labcorp
Classification: Uncertain significance for Neurofibromatosis, type 1. Last evaluated: 2022-03-05. Review status: criteria provided, single submitter. Criteria: Invitae Variant Classification Sherloc (09022015). Collection method: clinical testing. Allele origin: germline.
Comment: This variant has not been reported in the literature in individuals affected with NF1-related conditions. This variant is not present in population databases (gnomAD no frequency). This sequence change falls in intron 9 of the NF1 gene. It does not directly change the encoded amino acid sequence of the NF1 protein. It affects a nucleotide within the consensus splice site. ClinVar contains an entry for this variant (Variation ID: 1020120). In summary, the available evidence is currently insufficient to determine the role of this variant in disease. Therefore, it has been classified as a Variant of Uncertain Significance. Variants that disrupt the consensus splice site are a relatively common cause of aberrant splicing (PMID: 17576681, 9536098). Algorithms developed to predict the effect of sequence changes on RNA splicing suggest that this variant is not likely to affect RNA splicing.

Literature cited by the submitters: PubMed 17576681; PubMed 9536098.